The following is an entry in ClinVar:

ClinVar aggregate classification (germline): Conflicting classifications of pathogenicity. Review status: criteria provided, conflicting classifications (1 of 4 stars). 6 submissions from 6 submitters: Uncertain significance (2); Likely benign (2). 2 of the submissions do not count toward it. Last evaluated 2025-05-15.

Conditions:
Duchenne muscular dystrophy (DMD). Also called: MUSCULAR DYSTROPHY, PSEUDOHYPERTROPHIC PROGRESSIVE, DUCHENNE TYPE; Duchenne Muscular Dystrophy (DMD). Identifiers: Orphanet 98896, MedGen C0013264, MONDO:0010679, OMIM 310200.
Primary dilated cardiomyopathy (DCM). Also called: Dilated Cardiomyopathy. Identifiers: Orphanet 217604, MedGen C0007193, MeSH D002311, MONDO:0005021, HP:0001644. Inheritance: Various modes of inheritance.
Cardiovascular phenotype. Identifiers: MedGen CN230736.
Becker muscular dystrophy (BMD). Also called: MUSCULAR DYSTROPHY, PSEUDOHYPERTROPHIC PROGRESSIVE, BECKER TYPE; Becker Muscular Dystrophy (BMD). Identifiers: Orphanet 98895, MedGen C0917713, MONDO:0010311, OMIM 300376.
Cardiomyopathy (CMYO). Also called: Cardiomyopathies. Identifiers: Orphanet 167848, MedGen C0878544, MONDO:0004994, HP:0001638. Inheritance: Various modes of inheritance.
Dystrophin deficiency.

Allele frequency attached by ClinVar (database versions not stated): ExAC 0.00001; gnomAD 0.00001; gnomAD exomes 0.00001; TOPMed 0.00001.

Submissions (6):

Revvity Omics, Revvity
Classification: Uncertain significance. Last evaluated: 2025-05-15. Review status: criteria provided, single submitter. Criteria: ACMG Guidelines, 2015. Collection method: clinical testing. Allele origin: germline.

Molecular Diagnostic Laboratory for Inherited Cardiovascular Disease, Montreal Heart Institute
Classification: Uncertain significance for Cardiovascular phenotype. Last evaluated: 2025-04-09. Review status: criteria provided, single submitter. Criteria: ACMG Guidelines, 2015. Collection method: clinical testing. Allele origin: germline. Affected: yes.

Labcorp Genetics (formerly Invitae), Labcorp
Classification: Likely benign for Duchenne muscular dystrophy. Last evaluated: 2024-09-04. Review status: criteria provided, single submitter. Criteria: Invitae Variant Classification Sherloc (09022015). Collection method: clinical testing. Allele origin: germline.

Ambry Genetics
Classification: Likely benign for Cardiovascular phenotype. Last evaluated: 2024-06-18. Review status: criteria provided, single submitter. Criteria: Ambry Variant Classification Scheme 2023. Collection method: clinical testing. Allele origin: germline.

Natera, Inc.
Classification: Uncertain significance for Becker muscular dystrophy; Cardiomyopathy; Duchenne muscular dystrophy; Dystrophin deficiency. Last evaluated: 2019-01-25. Review status: no assertion criteria provided. Collection method: clinical testing. Allele origin: germline. Not counted in ClinVar's aggregate classification.

CSER _CC_NCGL, University of Washington
Classification: Uncertain significance for Dilated cardiomyopathy. Last evaluated: 2016-08-01. Review status: no assertion criteria provided. Collection method: research. Allele origin: germline. Inheritance: Autosomal dominant inheritance. Study: CSER - NEXT Medicine variant annotation. Not counted in ClinVar's aggregate classification.

NM_004006.3(DMD):c.4449G>A (p.Met1483Ile)

Gene: DMD (dystrophin; minus strand). Cytogenetic location: Xp21.1.
Variant type: single nucleotide variant.
Coding change: c.4449G>A on transcript NM_004006.3 (MANE Select); coding-DNA position 4449, G replaced by A.
Protein change: p.Met1483Ile; replaces methionine 1483 with isoleucine.
Molecular consequence: missense variant.
Genome position (GRCh38, 1-based): chrX:32,389,570, C>T on the plus strand (G>A on the coding strand, the complement: DMD is on the minus strand). VCF-style: chrX-32389570-C-T. GRCh37 (hg19) VCF-style: chrX-32407687-C-T.
Other names: c.4425G>A, p.Met1475Ile (NM_000109.4); c.4437G>A, p.Met1479Ile (NM_004009.3); c.4080G>A, p.Met1360Ile (NM_004010.3); c.426G>A, p.Met142Ile (NM_004011.4); c.417G>A, p.Met139Ile (NM_004012.4); c.4449G>A (NM_004006.2); short protein forms M1475I, M1483I, M1360I, M1479I, M139I, M142I.
Identifiers: ClinVar variation 375863 (VCV000375863.17), dbSNP rs765355046, ClinGen allele CA10378953.